The following is an entry in ClinVar:

ClinVar aggregate classification (germline): Uncertain significance (1 of 4 stars; one submission).

Submission:

Labcorp Genetics (formerly Invitae), Labcorp
Classification: Uncertain significance. Last evaluated: 2024-03-27. Review status: criteria provided, single submitter. Criteria: Invitae Variant Classification Sherloc (09022015). Collection method: clinical testing. Allele origin: germline.
Comment: This sequence change replaces histidine, which is basic and polar, with glutamine, which is neutral and polar, at codon 1810 of the POLE protein (p.His1810Gln). This variant is not present in population databases (gnomAD no frequency). This variant has not been reported in the literature in individuals affected with POLE-related conditions. Advanced modeling of protein sequence and biophysical properties (such as structural, functional, and spatial information, amino acid conservation, physicochemical variation, residue mobility, and thermodynamic stability) performed at Invitae indicates that this missense variant is not expected to disrupt POLE protein function with a negative predictive value of 80%. In summary, the available evidence is currently insufficient to determine the role of this variant in disease. Therefore, it has been classified as a Variant of Uncertain Significance.

NM_006231.4(POLE):c.5430C>A (p.His1810Gln)

Gene: POLE (DNA polymerase epsilon, catalytic subunit; minus strand). Cytogenetic location: 12q24.33.
Variant type: single nucleotide variant.
Coding change: c.5430C>A on transcript NM_006231.4 (MANE Select); coding-DNA position 5430, C replaced by A.
Protein change: p.His1810Gln; replaces histidine 1810 with glutamine.
Molecular consequence: missense variant.
Genome position (GRCh38, 1-based): chr12:132,639,247, G>T on the plus strand (C>A on the coding strand, the complement: POLE is on the minus strand). VCF-style: chr12-132639247-G-T. GRCh37 (hg19) VCF-style: chr12-133215833-G-T.
Other names: short protein forms H1810Q.
Identifiers: ClinVar variation 3631501 (VCV003631501.2).